The following is an entry in ClinVar:

NM_000836.4(GRIN2D):c.2945C>T (p.Ala982Val)

Gene: GRIN2D (glutamate ionotropic receptor NMDA type subunit 2D; plus strand). Cytogenetic location: 19q13.33.
Variant type: single nucleotide variant.
Coding change: c.2945C>T on transcript NM_000836.4 (MANE Select); coding-DNA position 2945, C replaced by T.
Protein change: p.Ala982Val; replaces alanine 982 with valine.
Molecular consequence: missense variant.
Genome position (GRCh38, 1-based): chr19:48,442,871, C>T. VCF-style: chr19-48442871-C-T. GRCh37 (hg19) VCF-style: chr19-48946128-C-T.
Other names: short protein forms A982V.
Identifiers: ClinVar variation 1511588 (VCV001511588.7), dbSNP rs968913408, ClinGen allele CA309298920.

ClinVar aggregate classification (germline): Conflicting classifications of pathogenicity. Review status: criteria provided, conflicting classifications (1 of 4 stars). 2 submissions from 2 submitters: Uncertain significance (1); Likely benign (1). Last evaluated 2026-06-01.

Allele frequency attached by ClinVar (database versions not stated): gnomAD exomes 0.00011; 1000 Genomes Project 30x 0.00016.
gnomAD v4.1: 108 of 1,086,380 alleles (0.0099%); highest among the groups gnomAD compares: Non-Finnish European, 0.011%; no homozygotes.

Submissions (2):

CeGaT Center for Human Genetics Tuebingen
Classification: Likely benign. Last evaluated: 2026-06-01. Review status: criteria provided, single submitter. Criteria: CeGaT Center For Human Genetics Tuebingen Variant Classification Criteria Version 2. Collection method: clinical testing. Allele origin: germline. Affected: yes. Observed: 1 variant allele.
Comment: GRIN2D: PP2, BS2

Labcorp Genetics (formerly Invitae), Labcorp
Classification: Uncertain significance. Last evaluated: 2026-01-12. Review status: criteria provided, single submitter. Criteria: Invitae Variant Classification Sherloc (09022015). Collection method: clinical testing. Allele origin: germline.
Comment: This sequence change replaces alanine, which is neutral and non-polar, with valine, which is neutral and non-polar, at codon 982 of the GRIN2D protein (p.Ala982Val). The frequency data for this variant in the population databases is considered unreliable, as metrics indicate poor data quality at this position in the gnomAD database. This variant has not been reported in the literature in individuals affected with GRIN2D-related conditions. ClinVar contains an entry for this variant (Variation ID: 1511588). Invitae Evidence Modeling of protein sequence and biophysical properties (such as structural, functional, and spatial information, amino acid conservation, physicochemical variation, residue mobility, and thermodynamic stability) indicates that this missense variant is not expected to disrupt GRIN2D protein function with a negative predictive value of 95%. In summary, the available evidence is currently insufficient to determine the role of this variant in disease. Therefore, it has been classified as a Variant of Uncertain Significance.